The following is an entry in ClinVar:

NM_015335.5(MED13L):c.4711A>G (p.Thr1571Ala)

Gene: MED13L (mediator complex subunit 13L; minus strand). Cytogenetic location: 12q24.21.
Variant type: single nucleotide variant.
Coding change: c.4711A>G on transcript NM_015335.5 (MANE Select); coding-DNA position 4711, A replaced by G.
Protein change: p.Thr1571Ala; replaces threonine 1571 with alanine.
Molecular consequence: missense variant.
Genome position (GRCh38, 1-based): chr12:115,983,361, T>C on the plus strand (A>G on the coding strand, the complement: MED13L is on the minus strand). VCF-style: chr12-115983361-T-C. GRCh37 (hg19) VCF-style: chr12-116421166-T-C.
Other names: short protein forms T1571A.
Identifiers: ClinVar variation 975437 (VCV000975437.4), dbSNP rs773833981, ClinGen allele CA6810740.
Genomic context (GRCh38, chr12:115,983,361, plus strand): 5'-CAGACGATGAGACCGGTGGCACAGAGGAACCAGATGCAGAACTACTTGCTGCAGGATTTG[T>C]AGAACTACTATTCGAGGTGGGATTAAATGCACTGCCAGCTGGGGGAGCTGCTGATCCATT-3'
Protein context (NP_056150.1, residues 1561-1581): AFNPTSNSSS[Thr1571Ala]NPAASSSASG

ClinVar aggregate classification (germline): Conflicting classifications of pathogenicity. Review status: criteria provided, conflicting classifications (1 of 4 stars). 3 submissions from 3 submitters: Uncertain significance (1); Benign (1). 1 of the submissions does not count toward it. Last evaluated 2026-02-27.

Conditions:
Dextro-looped transposition of the great arteries. Also called: Dextrotransposition of the great arteries. Identifiers: Orphanet 860, MedGen C3531771, MONDO:0019443, OMIM 608808, HP:0031348.
Intellectual disability. Also called: intellectual disabilities; Intellectual developmental disorder; Intellectual functioning disability. Identifiers: MedGen C3714756, MeSH D008607, MONDO:0001071, HP:0001249.

Allele frequency attached by ClinVar (database versions not stated): gnomAD exomes 0.00003 and 0.00004; ExAC 0.00001; gnomAD 0.00003; TOPMed 0.00002.
gnomAD v4.1: 59 of 1,614,078 alleles (0.0037%); highest among the groups gnomAD compares: Admixed American, 0.005%; no homozygotes.

Submissions (3):

Women's Health and Genetics/Laboratory Corporation of America, LabCorp
Classification: Uncertain significance. Last evaluated: 2026-02-27. Review status: criteria provided, single submitter. Criteria: LabCorp Variant Classification Summary - May 2015. Collection method: clinical testing. Allele origin: germline.
Comment: Variant summary: MED13L c.4711A>G (p.Thr1571Ala) results in a non-conservative amino acid change in the encoded protein sequence. Algorithms developed to predict the effect of missense changes on protein structure and function are either unavailable or do not agree on the potential impact of this missense change. The variant allele was found at a frequency of 2.8e-05 in 251232 control chromosomes. The available data on variant occurrences in the general population are insufficient to allow any conclusion about variant significance. To our knowledge, no occurrence of c.4711A>G in individuals affected with MED13L-related conditions and no experimental evidence demonstrating its impact on protein function have been reported. ClinVar contains an entry for this variant (Variation ID: 975437). Based on the evidence outlined above, the variant was classified as uncertain significance.

Labcorp Genetics (formerly Invitae), Labcorp
Classification: Benign for Dextro-looped transposition of the great arteries. Last evaluated: 2024-11-05. Review status: criteria provided, single submitter. Criteria: Invitae Variant Classification Sherloc (09022015). Collection method: clinical testing. Allele origin: germline.

Centre de Biologie Pathologie Génétique, Centre Hospitalier Universitaire de Lille
Classification: Likely benign for Intellectual disability. Last evaluated: 2019-01-01. Review status: no assertion criteria provided. Collection method: clinical testing. Allele origin: inherited. Affected: yes. Not counted in ClinVar's aggregate classification.